The following is an entry in ClinVar:

ClinVar aggregate classification (germline): Likely pathogenic (1 of 4 stars; one submission).

Submission:

Labcorp Genetics (formerly Invitae), Labcorp
Classification: Likely pathogenic. Last evaluated: 2024-01-24. Review status: criteria provided, single submitter. Criteria: Invitae Variant Classification Sherloc (09022015). Collection method: clinical testing. Allele origin: germline.
Comment: This sequence change affects a donor splice site in intron 21 of the PTPN23 gene. It is expected to disrupt RNA splicing. Variants that disrupt the donor or acceptor splice site typically lead to a loss of protein function (PMID: 16199547), and loss-of-function variants in PTPN23 are known to be pathogenic (PMID: 29090338, 29899372). This variant is not present in population databases (gnomAD no frequency). This variant has not been reported in the literature in individuals affected with PTPN23-related conditions. ClinVar contains an entry for this variant (Variation ID: 2102657). Algorithms developed to predict the effect of sequence changes on RNA splicing suggest that this variant may disrupt the consensus splice site. In summary, the currently available evidence indicates that the variant is pathogenic, but additional data are needed to prove that conclusively. Therefore, this variant has been classified as Likely Pathogenic.

Literature cited by the submitters: PubMed 16199547; PubMed 29090338; PubMed 29899372.

NM_015466.4(PTPN23):c.4073+2T>A

Gene: PTPN23 (protein tyrosine phosphatase non-receptor type 23; plus strand). Cytogenetic location: 3p21.31.
Variant type: single nucleotide variant.
Coding change: c.4073+2T>A on transcript NM_015466.4 (MANE Select); the canonical splice donor site of the intron after coding-DNA position 4073, T replaced by A.
Molecular consequence: splice donor variant.
Genome position (GRCh38, 1-based): chr3:47,411,969, T>A. VCF-style: chr3-47411969-T-A. GRCh37 (hg19) VCF-style: chr3-47453459-T-A.
Other names: c.3695+2T>A (NM_001304482.2).
Identifiers: ClinVar variation 2102657 (VCV002102657.4), dbSNP rs2546256341, ClinGen allele CA352565215.